The following is an entry in ClinVar:

NM_001048174.2(MUTYH):c.1168A>C (p.Lys390Gln)

Gene: MUTYH (mutY DNA glycosylase; minus strand). Cytogenetic location: 1p34.1.
Variant type: single nucleotide variant.
Coding change: c.1168A>C on transcript NM_001048174.2 (MANE Select); coding-DNA position 1168, A replaced by C.
Protein change: p.Lys390Gln; replaces lysine 390 with glutamine.
Molecular consequence: missense variant. On other transcripts: non-coding transcript variant (7).
Genome position (GRCh38, 1-based): chr1:45,331,491, T>G on the plus strand (A>C on the coding strand, the complement: MUTYH is on the minus strand). VCF-style: chr1-45331491-T-G. GRCh37 (hg19) VCF-style: chr1-45797163-T-G.
Other names: c.1168A>C, p.Lys390Gln (NM_001048171.2, NM_001048173.2, NM_001407070.1 and 6 more transcripts); c.1171A>C, p.Lys391Gln (NM_001048172.2, NM_001407071.1, NM_001407078.1 and 1 more transcripts); c.1084A>C, p.Lys362Gln (NM_001407075.1); c.1201A>C, p.Lys401Gln (NM_001407077.1, NM_001293191.2, NM_001407069.1); c.1129A>C, p.Lys377Gln (NM_001407079.1); c.1126A>C, p.Lys376Gln (NM_001407080.1); c.1252A>C, p.Lys418Gln (NM_001128425.2); c.1213A>C, p.Lys405Gln (NM_001293190.2); and 5 more; short protein forms K275Q, K390Q, K404Q, K405Q, K415Q, K418Q, K298Q, K362Q.
Identifiers: ClinVar variation 4113130 (VCV004113130.1).
Genomic context (GRCh38, chr1:45,331,491, plus strand): 5'-GCCGGAGGTGCGTGGCTGGGAGGGGCCCAGCCCAACGCTGTAGTTCCTGCAGCAGGGCCT[T>G]GCGCTGAAGCTGCTCTGAGGGCTCCCAGGTCACGGACGGGAACTCCCACAGTCCTGCCAG-3'
Protein context (NP_001041639.1, residues 380-400): TWEPSEQLQR[Lys390Gln]ALLQELQRWA

ClinVar aggregate classification (germline): Uncertain significance (1 of 4 stars; one submission).

Conditions:
Hereditary cancer-predisposing syndrome. Also called: Tumor predisposition; Neoplastic Syndromes, Hereditary; Hereditary neoplastic syndrome; Hereditary Cancer Syndrome. Identifiers: Orphanet 140162, MedGen C0027672, MeSH D009386, MONDO:0015356.

Submission:

Ambry Genetics
Classification: Uncertain significance for Hereditary cancer-predisposing syndrome. Last evaluated: 2025-08-27. Review status: criteria provided, single submitter. Criteria: Ambry Variant Classification Scheme 2023. Collection method: clinical testing. Allele origin: germline.
Comment: The p.K418Q variant (also known as c.1252A>C), located in coding exon 13 of the MUTYH gene, results from an A to C substitution at nucleotide position 1252. The lysine at codon 418 is replaced by glutamine, an amino acid with similar properties. This amino acid position is conserved. In addition, this alteration is predicted to be tolerated by in silico analysis. Based on the available evidence, the clinical significance of this variant remains unclear.